The following is an entry in ClinVar:

NM_000217.3(KCNA1):c.379A>G (p.Met127Val)

Gene: KCNA1 (potassium voltage-gated channel subfamily A member 1; plus strand). Cytogenetic location: 12p13.32.
Variant type: single nucleotide variant.
Coding change: c.379A>G on transcript NM_000217.3 (MANE Select); coding-DNA position 379, A replaced by G.
Protein change: p.Met127Val; replaces methionine 127 with valine.
Molecular consequence: missense variant.
Genome position (GRCh38, 1-based): chr12:4,911,757, A>G. VCF-style: chr12-4911757-A-G. GRCh37 (hg19) VCF-style: chr12-5020923-A-G.
Other names: short protein forms M127V.
Identifiers: ClinVar variation 4743077 (VCV004743077.1).

ClinVar aggregate classification (germline): Uncertain significance (1 of 4 stars; one submission).

Conditions:
Episodic ataxia type 1 (EA1). Also called: Episodic ataxia/myokymia syndrome; ATAXIA, EPISODIC, WITH MYOKYMIA; MYOKYMIA WITH PERIODIC ATAXIA; PAROXYSMAL ATAXIA WITH NEUROMYOTONIA, HEREDITARY. Identifiers: Orphanet 37612, Orphanet 972, MedGen C1719788, MONDO:0008047, OMIM 160120.

Submission:

Labcorp Genetics (formerly Invitae), Labcorp
Classification: Uncertain significance for Episodic ataxia type 1. Last evaluated: 2025-02-27. Review status: criteria provided, single submitter. Criteria: Invitae Variant Classification Sherloc (09022015). Collection method: clinical testing. Allele origin: germline.
Comment: This sequence change replaces methionine, which is neutral and non-polar, with valine, which is neutral and non-polar, at codon 127 of the KCNA1 protein (p.Met127Val). This variant is not present in population databases (gnomAD no frequency). This variant has not been reported in the literature in individuals affected with KCNA1-related conditions. Invitae Evidence Modeling of protein sequence and biophysical properties (such as structural, functional, and spatial information, amino acid conservation, physicochemical variation, residue mobility, and thermodynamic stability) has been performed for this missense variant. However, the output from this modeling did not meet the statistical confidence thresholds required to predict the impact of this variant on KCNA1 protein function. In summary, the available evidence is currently insufficient to determine the role of this variant in disease. Therefore, it has been classified as a Variant of Uncertain Significance.